The following is an entry in ClinVar:

NM_001029896.2(WDR45):c.905_906del (p.Val302fs)

Gene: WDR45 (WD repeat domain 45; minus strand). Cytogenetic location: Xp11.23.
Variant type: Microsatellite.
Coding change: c.905_906del on transcript NM_001029896.2 (MANE Select); coding-DNA positions 905 to 906, 2 bases deleted (TG; older notation c.905_906delTG).
Protein change: p.Val302fs; shifts the reading frame from valine 302.
Molecular consequence: frameshift variant.
Genome position (GRCh38, 1-based): chrX:49,075,203-49,075,204, CA deleted on the plus strand (TG on the coding strand, the reverse complement: WDR45 is on the minus strand); deleting any 2 consecutive bases within chrX:49,075,203-49,075,206 gives the same sequence; the c. name uses the placement nearest the transcript's 3' end. VCF-style (leftmost placement, unchanged base first): chrX-49075202-GCA-G. GRCh37 (hg19) VCF-style: chrX-48932861-GCA-G.
Other names: c.908_909del, p.Val303fs (NM_007075.4); short protein forms V302fs, V303fs.
Identifiers: ClinVar variation 2810785 (VCV002810785.3), dbSNP rs2520260230, ClinGen allele CA2739273493.

ClinVar aggregate classification (germline): Pathogenic (1 of 4 stars; one submission).

Conditions:
Neurodegeneration with brain iron accumulation 5 (NBIA5). Also called: STATIC ENCEPHALOPATHY OF CHILDHOOD WITH NEURODEGENERATION IN ADULTHOOD; Beta-propeller protein-associated neurodegeneration. Identifiers: Orphanet 329284, MedGen C3550973, MONDO:0010476, OMIM 300894.

Submission:

Labcorp Genetics (formerly Invitae), Labcorp
Classification: Pathogenic for Neurodegeneration with brain iron accumulation 5. Last evaluated: 2022-10-30. Review status: criteria provided, single submitter. Criteria: Invitae Variant Classification Sherloc (09022015). Collection method: clinical testing. Allele origin: germline.
Comment: This sequence change creates a premature translational stop signal (p.Val303Alafs*3) in the WDR45 gene. It is expected to result in an absent or disrupted protein product. Loss-of-function variants in WDR45 are known to be pathogenic (PMID: 23176820, 24368176, 24621584, 25744623, 26790960, 27030146, 27652284, 28554332). For these reasons, this variant has been classified as Pathogenic. This variant has not been reported in the literature in individuals affected with WDR45-related conditions. This variant is not present in population databases (gnomAD no frequency).

Literature cited by the submitters: PubMed 23176820; PubMed 24368176; PubMed 24621584; PubMed 25744623; PubMed 26790960; PubMed 27030146; PubMed 27652284; PubMed 28554332.